The following is an entry in ClinVar:

NM_001458.5(FLNC):c.6134G>C (p.Arg2045Pro)

Genes: FLNC (filamin C; plus strand), FLNC-AS1 (FLNC antisense RNA 1; minus strand). Cytogenetic location: 7q32.1.
Variant type: single nucleotide variant.
Coding change: c.6134G>C on transcript NM_001458.5 (MANE Select); coding-DNA position 6134, G replaced by C.
Protein change: p.Arg2045Pro; replaces arginine 2045 with proline.
Molecular consequence: missense variant.
Genome position (GRCh38, 1-based): chr7:128,852,957, G>C. VCF-style: chr7-128852957-G-C. GRCh37 (hg19) VCF-style: chr7-128493011-G-C.
Other names: c.6035G>C, p.Arg2012Pro (NM_001127487.2); short protein forms R2012P, R2045P.
Identifiers: ClinVar variation 1959757 (VCV001959757.5), dbSNP rs747196571, ClinGen allele CA369211359.

ClinVar aggregate classification (germline): Uncertain significance (1 of 4 stars; one submission).

Conditions:
Myofibrillar myopathy 5. Also called: Filaminopathy (type); FILAMINOPATHY, AUTOSOMAL DOMINANT. Identifiers: Orphanet 171445, MedGen C1836050, MONDO:0012289, OMIM 609524.
Distal myopathy with posterior leg and anterior hand involvement. Also called: WILLIAMS DISTAL MYOPATHY. Identifiers: Orphanet 63273, MedGen C3279722, MONDO:0013550, OMIM 614065.
Hypertrophic cardiomyopathy 26. Also called: Cardiomyopathy, familial hypertrophic, 26. Identifiers: Orphanet 75249, MedGen C4310749, MONDO:0014883, OMIM 617047.

gnomAD v4.1: 1 of 1,613,544 alleles (0.000062%); highest among the groups gnomAD compares: Non-Finnish European, 0.000085%; no homozygotes.

Submission:

Labcorp Genetics (formerly Invitae), Labcorp
Classification: Uncertain significance for Distal myopathy with posterior leg and anterior hand involvement; Myofibrillar myopathy 5; Hypertrophic cardiomyopathy 26. Last evaluated: 2022-09-03. Review status: criteria provided, single submitter. Criteria: Invitae Variant Classification Sherloc (09022015). Collection method: clinical testing. Allele origin: germline.
Comment: This sequence change replaces arginine, which is basic and polar, with proline, which is neutral and non-polar, at codon 2045 of the FLNC protein (p.Arg2045Pro). This variant is present in population databases (no rsID available, gnomAD 0.0009%). This variant has not been reported in the literature in individuals affected with FLNC-related conditions. Algorithms developed to predict the effect of missense changes on protein structure and function are either unavailable or do not agree on the potential impact of this missense change (SIFT: "Deleterious"; PolyPhen-2: "Possibly Damaging"; Align-GVGD: "Class C0"). Algorithms developed to predict the effect of sequence changes on RNA splicing suggest that this variant may disrupt the consensus splice site. In summary, the available evidence is currently insufficient to determine the role of this variant in disease. Therefore, it has been classified as a Variant of Uncertain Significance.